The following is an entry in ClinVar:

NM_015329.4(MAU2):c.160_168del (p.Val54_Pro56del)

Gene: MAU2 (MAU2 sister chromatid cohesion factor; plus strand). Cytogenetic location: 19p13.11.
Variant type: Deletion.
Coding change: c.160_168del on transcript NM_015329.4 (MANE Select); coding-DNA positions 160 to 168, 9 bases deleted (GTGTTCCCC; older notation c.160_168delGTGTTCCCC).
Protein change: p.Val54_Pro56del.
Molecular consequence: inframe deletion.
Genome position (GRCh38, 1-based): chr19:19,321,019-19,321,027, GTGTTCCCC deleted; deleting any 9 consecutive bases within chr19:19,321,017-19,321,027 gives the same sequence; the c. name uses the placement nearest the transcript's 3' end. VCF-style (leftmost placement, unchanged base first): chr19-19321016-GCCGTGTTCC-G. GRCh37 (hg19) VCF-style: chr19-19431825-GCCGTGTTCC-G.
Identifiers: ClinVar variation 4291151 (VCV004291151.2).

ClinVar aggregate classification (germline): Pathogenic. Review status: criteria provided, single submitter (1 of 4 stars). 2 submissions from 2 submitters: Pathogenic (1). 1 of the submissions does not count toward it. Last evaluated 2025-10-16.

Conditions:
De Lange syndrome (CDLS). Also called: Cornelia de Lange syndrome; CDL. Identifiers: Orphanet 199, MedGen C0270972, MONDO:0016033.
CORNELIA DE LANGE SYNDROME 7 (CDLS7). Identifiers: MedGen CN381618, OMIM 621570.

Submissions (2):

Institute for Human Genetics, University Hospital Essen
Classification: Pathogenic for De Lange syndrome. Last evaluated: 2025-10-16. Review status: criteria provided, single submitter. Criteria: ACMG Guidelines, 2015. Collection method: research. Allele origin: de novo. Affected: yes. Observed: 1 variant allele.
Comment: PS2, PS3, PM4, PM2_sup

OMIM
Classification: Pathogenic for CORNELIA DE LANGE SYNDROME 7. Last evaluated: 2026-04-24. Review status: no assertion criteria provided. Collection method: literature only. Allele origin: germline. Not counted in ClinVar's aggregate classification.

Literature cited by the submitters: PubMed 41912533 (cited by OMIM).